The following is an entry in ClinVar:

NM_000179.3(MSH6):c.-2_261-3610del

Genes: MSH6 (mutS homolog 6; plus strand), LOC129933707 (ATAC-STARR-seq lymphoblastoid silent region 11468; plus strand), LOC129933708 (ATAC-STARR-seq lymphoblastoid silent region 11469; plus strand). Cytogenetic location: 2p16.3.
Variant type: Deletion.
Coding change: c.-2_261-3610del on transcript NM_000179.3 (MANE Select); 2 bases upstream of the start codon through 3610 bases into the intron before coding-DNA position 261, 4,086 bases deleted.
Molecular consequence: splice donor variant, initiator codon variant.
Genome position (GRCh38, 1-based): chr2:47,783,232-47,787,317, 4,086 bases deleted. GRCh37 (hg19): chr2:48,010,371-48,014,456.
Other names: c.-738_-476-3610del (NM_001281493.2); c.-2_237+3847del (NM_001281492.2).
Identifiers: ClinVar variation 1048851 (VCV001048851.2), ClinGen allele CA2499216078.

ClinVar aggregate classification (germline): Pathogenic (0 of 4 stars; one submission).

Submission:

Department of Pathology and Laboratory Medicine, Sinai Health System
Classification: Pathogenic. Review status: no assertion criteria provided. Collection method: clinical testing. Allele origin: unknown. Affected: yes. Study: The Canadian Open Genetics Repository (COGR).
Comment: The MSH6 c.1-?_4083+?del variant (chr2; g.48010222-?_48034010+?del; GRCh37/HG19), or whole gene deletion of MSH6, was identified in 1 of 2116 proband chromosomes (frequency: 0.0005) from families with colorectal cancer (Nilbert 2009). The variant was also identified in the HGMD and â€šÃ„ÃºMismatch Repair Genes Variant Databaseâ€šÃ„Ã¹. This alteration is predicted to result in an absent protein and loss of function. Loss of function variants of the MSH6 gene are an established mechanism of disease in Lynch syndrome and this is the type of variant expected to cause the disorder. In summary, based on the above information, this variant meets our laboratoryâ€šÃ„Ã´s criteria to be classified as pathogenic.